The following is an entry in ClinVar:

ClinVar aggregate classification (germline): Benign (1 of 4 stars; one submission).

Conditions:
Neuropathy, hereditary sensory and autonomic, type 1C. Also called: HSAN IC; HSN IC. Identifiers: Orphanet 36386, MedGen C3150896, MONDO:0013337, OMIM 613640.

Allele frequency attached by ClinVar (database versions not stated): gnomAD exomes 0.00027; 1000 Genomes Project 0.00180; 1000 Genomes Project 30x 0.00187; gnomAD 0.00202 and 0.00227; TOPMed 0.00256.
gnomAD v4.1: 378 of 398,340 alleles (0.095%); highest among the groups gnomAD compares: African/African-American, 0.7%; 2 homozygotes.

Submission:

Illumina Laboratory Services, Illumina
Classification: Benign for Neuropathy, hereditary sensory and autonomic, type 1C. Last evaluated: 2018-01-13. Review status: criteria provided, single submitter. Criteria: ICSL Variant Classification Criteria 13 December 2019. Collection method: clinical testing. Allele origin: germline.
Comment: This variant was observed in the ICSL laboratory as part of a predisposition screen in an ostensibly healthy population. It had not been previously curated by ICSL or reported in the Human Gene Mutation Database (HGMD: prior to June 1st, 2018), and was therefore a candidate for classification through an automated scoring system. Utilizing variant allele frequency, disease prevalence and penetrance estimates, and inheritance mode, an automated score was calculated to assess if this variant is too frequent to cause the disease. Based on the score and internal cut-off values, a variant classified as benign is not then subjected to further curation. The score for this variant resulted in a classification of benign for this disease.

NM_004863.4(SPTLC2):c.*2338G>A

Gene: SPTLC2 (serine palmitoyltransferase long chain base subunit 2; minus strand). Cytogenetic location: 14q24.3.
Variant type: single nucleotide variant.
Coding change: c.*2338G>A on transcript NM_004863.4 (MANE Select); 2338 bases downstream of the stop codon, G replaced by A.
Molecular consequence: 3 prime UTR variant.
Genome position (GRCh38, 1-based): chr14:77,509,946, C>T on the plus strand (G>A on the coding strand, the complement: SPTLC2 is on the minus strand). VCF-style: chr14-77509946-C-T. GRCh37 (hg19) VCF-style: chr14-77976289-C-T.
Identifiers: ClinVar variation 314626 (VCV000314626.5), dbSNP rs148034053, ClinGen allele CA10635423.
Genomic context (GRCh38, chr14:77,509,946, plus strand): 5'-ATATAGATATATTTTAAATGCCGGTACTGACATTTGAATTTGCAGTGACTTCATGCAAGC[C>T]AAAATAAAAAGACTAGCAGGTAAGTTCATTGCTTATAAGTTTGTGACTTTTACAAACCCT-3'